The following is an entry in ClinVar:

ClinVar aggregate classification (germline): Uncertain significance. Review status: criteria provided, multiple submitters, no conflicts (2 of 4 stars). 2 submissions from 2 submitters: Uncertain significance (2). Last evaluated 2024-05-23.

Conditions:
Multiple gastrointestinal atresias. Also called: Multiple intestinal atresia; FAMILIAL INTESTINAL POLYATRESIA SYNDROME. Identifiers: Orphanet 2300, MedGen C0220744, MONDO:0009465.

gnomAD v4.1: 4 of 1,614,110 alleles (0.00025%); highest among the groups gnomAD compares: South Asian, 0.0033%; no homozygotes.

Submissions (2):

GeneDx
Classification: Uncertain significance. Last evaluated: 2024-05-23. Review status: criteria provided, single submitter. Criteria: GeneDx Variant Classification Process June 2021. Collection method: clinical testing. Allele origin: germline. Affected: yes.
Comment: In silico analysis supports that this missense variant has a deleterious effect on protein structure/function; Has not been previously published as pathogenic or benign to our knowledge

Labcorp Genetics (formerly Invitae), Labcorp
Classification: Uncertain significance for Multiple gastrointestinal atresias. Last evaluated: 2021-08-28. Review status: criteria provided, single submitter. Criteria: Invitae Variant Classification Sherloc (09022015). Collection method: clinical testing. Allele origin: germline.

NM_020458.4(TTC7A):c.1073G>T (p.Arg358Leu)

Gene: TTC7A (tetratricopeptide repeat domain 7A; plus strand). Cytogenetic location: 2p21.
Variant type: single nucleotide variant.
Coding change: c.1073G>T on transcript NM_020458.4 (MANE Select); coding-DNA position 1073, G replaced by T.
Protein change: p.Arg358Leu; replaces arginine 358 with leucine.
Molecular consequence: missense variant.
Genome position (GRCh38, 1-based): chr2:47,005,929, G>T. VCF-style: chr2-47005929-G-T. GRCh37 (hg19) VCF-style: chr2-47233068-G-T.
Other names: c.1073G>T, p.Arg358Leu (NM_001288951.2); c.971G>T, p.Arg324Leu (NM_001288953.2); c.11G>T, p.Arg4Leu (NM_001288955.2); short protein forms R358L, R4L, R324L.
Identifiers: ClinVar variation 953441 (VCV000953441.6), dbSNP rs752771480, ClinGen allele CA1647488.